The following is an entry in ClinVar:

ClinVar aggregate classification (germline): Likely benign (0 of 4 stars; one submission).

Conditions:
ASH1L-related disorder. Also called: ASH1L-related condition.

Allele frequency attached by ClinVar (database versions not stated): ExAC 0.00001; gnomAD 0.00001; gnomAD exomes 0.00001; TOPMed 0.00001; ESP Exome Variant Server 0.00008.
gnomAD v4.1: 13 of 1,613,602 alleles (0.00081%); highest among the groups gnomAD compares: Middle Eastern, 0.082%; no homozygotes.

Submission:

PreventionGenetics, part of Exact Sciences
Classification: Likely benign for ASH1L-related condition. Last evaluated: 2019-02-26. Review status: no assertion criteria provided. Collection method: clinical testing. Allele origin: germline.
Comment: This variant is classified as likely benign based on ACMG/AMP sequence variant interpretation guidelines (Richards et al. 2015 PMID: 25741868, with internal and published modifications).

NM_018489.3(ASH1L):c.3861T>C (p.Phe1287=)

Gene: ASH1L (ASH1 like histone lysine methyltransferase; minus strand). Cytogenetic location: 1q22.
Variant type: single nucleotide variant.
Coding change: c.3861T>C on transcript NM_018489.3 (MANE Select); coding-DNA position 3861, T replaced by C.
Protein change: p.Phe1287=; no amino-acid change (phenylalanine 1287 retained).
Molecular consequence: synonymous variant.
Genome position (GRCh38, 1-based): chr1:155,479,009, A>G on the plus strand (T>C on the coding strand, the complement: ASH1L is on the minus strand). VCF-style: chr1-155479009-A-G. GRCh37 (hg19) VCF-style: chr1-155448800-A-G.
Other names: c.3861T>C, p.Phe1287= (NM_001366177.2).
Identifiers: ClinVar variation 3057379 (VCV003057379.2), dbSNP rs141723069, ClinGen allele CA1147019.
Genomic context (GRCh38, chr1:155,479,009, plus strand): 5'-ACTTCGATGAGTGATCCGAATTTCACTTAGGCGACTTATTAGTTCCTCCAGCTCTGCAAT[A>G]AAGTCTGGATCCTGTCTATTTCGAAGCTGGGGATATTTCTTTTTCCGTTTTCGTTTCTGC-3'
Protein context (NP_060959.2, residues 1277-1297): PQLRNRQDPD[Phe1287=]IAELEELISR